The following is an entry in ClinVar:

ClinVar aggregate classification (germline): Conflicting classifications of pathogenicity. Review status: criteria provided, conflicting classifications (1 of 4 stars). 9 submissions from 9 submitters: Uncertain significance (3); Likely benign (4). 2 of the submissions do not count toward it. Last evaluated 2026-01-28.

Conditions:
Hereditary cancer-predisposing syndrome. Also called: Neoplastic Syndromes, Hereditary; Tumor predisposition; Hereditary neoplastic syndrome; Hereditary Cancer Syndrome. Identifiers: Orphanet 140162, MedGen C0027672, MeSH D009386, MONDO:0015356.
Hereditary breast ovarian cancer syndrome. Also called: Hereditary breast and ovarian cancer syndrome; Hereditary breast and ovarian cancer; Hereditary breast and ovarian cancer syndrome (HBOC); Breast and ovarian cancer; Hereditary breast and/or ovarian cancer syndrome; BRCA1- and BRCA2-Associated Hereditary Breast and Ovarian Cancer. Identifiers: Orphanet 145, MedGen C0677776, MeSH D061325, MONDO:0003582. Disease mechanism: loss of function.
Breast-ovarian cancer, familial, susceptibility to, 2 (BROVCA2). Also called: BRCA2 Hereditary Breast and Ovarian Cancer. Identifiers: Orphanet 145, MedGen C2675520, MONDO:0012933, OMIM 612555. Disease mechanism: loss of function.

Allele frequency attached by ClinVar (database versions not stated): gnomAD exomes below 0.00001 and 0.00001; gnomAD 0.00001; TOPMed 0.00001.
gnomAD v4.1: 14 of 1,614,066 alleles (0.00087%); highest among the groups gnomAD compares: African/African-American, 0.0027%; no homozygotes.

Submissions (9):

Labcorp Genetics (formerly Invitae), Labcorp
Classification: Likely benign for Hereditary breast ovarian cancer syndrome. Last evaluated: 2026-01-28. Review status: criteria provided, single submitter. Criteria: Invitae Variant Classification Sherloc (09022015). Collection method: clinical testing. Allele origin: germline.

Women's Health and Genetics/Laboratory Corporation of America, LabCorp
Classification: Likely benign. Last evaluated: 2024-11-18. Review status: criteria provided, single submitter. Criteria: LabCorp Variant Classification Summary - May 2015. Collection method: clinical testing. Allele origin: germline.
Comment: Variant summary: BRCA2 c.8545A>G (p.Lys2849Glu) results in a conservative amino acid change located in the Tower domain of the encoded protein sequence. Three of five in-silico tools predict a benign effect of the variant on protein function. The variant allele was found at a frequency of 4e-06 in 251218 control chromosomes. The available data on variant occurrences in the general population are insufficient to allow any conclusion about variant significance. c.8545A>G has been reported in the literature in individuals affected with Hereditary Breast And Ovarian Cancer Syndrome (Pal_2013, Alvarez_2017). These reports do not provide unequivocal conclusions about association of the variant with Hereditary Breast And Ovarian Cancer Syndrome. Co-occurrence with a pathogenic variant has been reported (BRCA1 c.3817C>T, p.Gln1273Ter, BIC database), providing supporting evidence for a benign role. At least two publications report experimental evidence evaluating an impact on protein function. These results showed no damaging effect of this variant (Guidugli_2018, Hu_2022). These results showed no damaging effect of this variant. The following publications have been ascertained in the context of this evaluation (PMID: 29088781, 29394989, 38417439, 26287763). ClinVar contains an entry for this variant (Variation ID: 52617). Based on the evidence outlined above, the variant was classified as likely benign.

All of Us Research Program, National Institutes of Health
Classification: Uncertain significance for Breast-ovarian cancer, familial, susceptibility to, 2. Last evaluated: 2023-03-23. Review status: criteria provided, single submitter. Criteria: ACMG Guidelines, 2015. Collection method: clinical testing. Allele origin: germline. Inheritance: Autosomal dominant inheritance. Observed: 1 variant allele, 1 heterozygote.
Comment: This missense variant replaces lysine with glutamic acid at codon 2849 of the BRCA2 protein. Computational prediction suggests that this variant may not impact protein structure and function (internally defined REVEL score threshold <= 0.5, PMID: 27666373). Functional studies have shown that this variant does not impact homology-directed DNA repair activity (PMID: 29394989, 33609447, 35736817). This variant has been reported in individuals with a personal or family history of breast and/or ovarian cancer (PMID: 26287763, 29088781, 33471991; Leiden Open Variation Database DB-ID BRCA2_000345). This variant has been identified in 3/282626 chromosomes in the general population by the Genome Aggregation Database (gnomAD). The available evidence is insufficient to determine the role of this variant in disease conclusively. Therefore, this variant is classified as a Variant of Uncertain Significance.

This study involves interpretation of variants in research participants for the purpose of population health screening. Participant phenotype was not available at the time of variant classification. Additional details can be found in publication PMID: 35346344, PMCID: PMC8962531

Color Diagnostics, LLC DBA Color Health
Classification: Uncertain significance for Hereditary cancer-predisposing syndrome. Last evaluated: 2023-03-02. Review status: criteria provided, single submitter. Criteria: ACMG Guidelines, 2015. Collection method: clinical testing. Allele origin: germline.
Comment: This missense variant replaces lysine with glutamic acid at codon 2849 of the BRCA2 protein. Computational prediction suggests that this variant may not impact protein structure and function (internally defined REVEL score threshold <= 0.5, PMID: 27666373). Functional studies have shown that this variant does not impact homology-directed DNA repair activity (PMID: 29394989, 33609447, 35736817). This variant has been reported in individuals with a personal or family history of breast and/or ovarian cancer (PMID: 26287763, 29088781, 33471991; Leiden Open Variation Database DB-ID BRCA2_000345). This variant has been identified in 3/282626 chromosomes in the general population by the Genome Aggregation Database (gnomAD). The available evidence is insufficient to determine the role of this variant in disease conclusively. Therefore, this variant is classified as a Variant of Uncertain Significance.

Quest Diagnostics Nichols Institute San Juan Capistrano
Classification: Uncertain significance. Last evaluated: 2021-07-27. Review status: criteria provided, single submitter. Criteria: Quest Diagnostics criteria. Collection method: clinical testing. Allele origin: unknown.

Ambry Genetics
Classification: Likely benign for Hereditary cancer-predisposing syndrome. Last evaluated: 2019-12-06. Review status: criteria provided, single submitter. Criteria: Ambry Variant Classification Scheme 2023. Collection method: clinical testing. Allele origin: germline.

GeneDx
Classification: Likely benign. Last evaluated: 2018-04-23. Review status: criteria provided, single submitter. Criteria: GeneDx Variant Classification (06012015). Collection method: clinical testing. Allele origin: germline. Affected: yes.
Comment: This variant is considered likely benign or benign based on one or more of the following criteria: it is a conservative change, it occurs at a poorly conserved position in the protein, it is predicted to be benign by multiple in silico algorithms, and/or has population frequency not consistent with disease.

Sharing Clinical Reports Project (SCRP)
Classification: Uncertain significance for Breast-ovarian cancer, familial 2. Last evaluated: 2012-05-12. Review status: no assertion criteria provided. Collection method: clinical testing. Allele origin: germline. Not counted in ClinVar's aggregate classification.

Breast Cancer Information Core (BIC) (BRCA2)
Classification: Uncertain significance for Breast-ovarian cancer, familial 2. Review status: no assertion criteria provided. Collection method: clinical testing. Allele origin: germline. Affected: yes. Observed: 1 variant allele. Not counted in ClinVar's aggregate classification.

Literature cited by the submitters: PubMed 26287763 (cited by 3 submitters); PubMed 29088781 (cited by 3 submitters); PubMed 29394989 (cited by 5 submitters); PubMed 38417439 (cited by Women's Health and Genetics/Laboratory Corporation of America, LabCorp); PubMed 33471991 (cited by All of Us Research Program, National Institutes of Health and Color Diagnostics, LLC DBA Color Health); PubMed 33609447 (cited by All of Us Research Program, National Institutes of Health and Color Diagnostics, LLC DBA Color Health); PubMed 35736817 (cited by All of Us Research Program, National Institutes of Health and Color Diagnostics, LLC DBA Color Health); PubMed 29884841 (cited by Quest Diagnostics Nichols Institute San Juan Capistrano); PubMed 19043619 (cited by Quest Diagnostics Nichols Institute San Juan Capistrano and Ambry Genetics).

NM_000059.4(BRCA2):c.8545A>G (p.Lys2849Glu)

Gene: BRCA2 (BRCA2 DNA repair associated; plus strand). Cytogenetic location: 13q13.1.
Variant type: single nucleotide variant.
Coding change: c.8545A>G on transcript NM_000059.4 (MANE Select); coding-DNA position 8545, A replaced by G.
Protein change: p.Lys2849Glu; replaces lysine 2849 with glutamic acid.
Molecular consequence: missense variant.
Genome position (GRCh38, 1-based): chr13:32,371,013, A>G. VCF-style: chr13-32371013-A-G. GRCh37 (hg19) VCF-style: chr13-32945150-A-G.
Other names: short protein forms K2849E.
Identifiers: ClinVar variation 52617 (VCV000052617.28), dbSNP rs80359109, ClinGen allele CA025703.